The following is an entry in ClinVar:

ClinVar aggregate classification (germline): Pathogenic. Review status: criteria provided, multiple submitters, no conflicts (2 of 4 stars). 6 submissions from 6 submitters: Pathogenic (5). 1 of the submissions does not count toward it. Last evaluated 2025-04-19.

Conditions:
Congenital glucose-galactose malabsorption (GGM). Also called: MONOSACCHARIDE MALABSORPTION; DIARRHEA 16. Identifiers: Orphanet 35710, MedGen C0268186, MONDO:0011731, OMIM 606824.

Allele frequency attached by ClinVar (database versions not stated): gnomAD exomes below 0.00001.
gnomAD v4.1: 1 of 1,614,220 alleles (0.000062%); highest among the groups gnomAD compares: Middle Eastern, 0.016%; no homozygotes.

Submissions (6):

Labcorp Genetics (formerly Invitae), Labcorp
Classification: Pathogenic for Congenital glucose-galactose malabsorption. Last evaluated: 2025-04-19. Review status: criteria provided, single submitter. Criteria: Invitae Variant Classification Sherloc (09022015). Collection method: clinical testing. Allele origin: germline.
Comment: This sequence change replaces cysteine, which is neutral and slightly polar, with tryptophan, which is neutral and slightly polar, at codon 255 of the SLC5A1 protein (p.Cys255Trp). This variant is not present in population databases (gnomAD no frequency). This missense change has been observed in individuals with congenital glucose-galactose malabsorption (PMID: 24048166, 34737908). It has also been observed to segregate with disease in related individuals. ClinVar contains an entry for this variant (Variation ID: 992967). Invitae Evidence Modeling of protein sequence and biophysical properties (such as structural, functional, and spatial information, amino acid conservation, physicochemical variation, residue mobility, and thermodynamic stability) indicates that this missense variant is expected to disrupt SLC5A1 protein function with a positive predictive value of 95%. Algorithms developed to predict the effect of sequence changes on RNA splicing suggest that this variant may create or strengthen a splice site. For these reasons, this variant has been classified as Pathogenic.

3billion
Classification: Pathogenic for Congenital glucose-galactose malabsorption. Last evaluated: 2024-06-28. Review status: criteria provided, single submitter. Criteria: ACMG Guidelines, 2015. Collection method: clinical testing. Allele origin: germline. Affected: yes.
Comment: The variant is observed at an extremely low frequency in the gnomAD v4.0.0 dataset (total allele frequency: <0.001%). Predicted Consequence/Location: Missense variant In silico tool predictions suggest damaging effect of the variant on gene or gene product [REVEL: 0.75 (>=0.6, sensitivity 0.68 and specificity 0.92)]. The same nucleotide change resulting in the same amino acid change has been previously reported as pathogenic/likely pathogenic with strong evidence (ClinVar ID: VCV000992967 /PMID: 12139397). The variant has been observed in multiple (>3) similarly affected unrelated individuals (PMID: 28753187). Therefore, this variant is classified as Pathogenic according to the recommendation of ACMG/AMP guideline.

Genomic Medicine Center of Excellence, King Faisal Specialist Hospital and Research Centre
Classification: Pathogenic for Congenital glucose-galactose malabsorption. Last evaluated: 2024-03-17. Review status: criteria provided, single submitter. Criteria: ACMG Guidelines, 2015. Collection method: research. Allele origin: germline.

GeneDx
Classification: Pathogenic. Last evaluated: 2022-02-01. Review status: criteria provided, single submitter. Criteria: GeneDx Variant Classification Process June 2021. Collection method: clinical testing. Allele origin: germline. Affected: yes.
Comment: Not observed in large population cohorts (gnomAD); In silico analysis supports that this missense variant has a deleterious effect on protein structure/function; In addition, in silico splice predictors suggest this variant may lead to abnormal gene splicing; This variant is associated with the following publications: (PMID: 12139397, 28753187)

Baylor Genetics
Classification: Pathogenic for Congenital glucose-galactose malabsorption. Last evaluated: 2020-02-16. Review status: criteria provided, single submitter. Criteria: ACMG Guidelines, 2015. Collection method: clinical testing. Allele origin: unknown. Affected: yes.
Comment: This variant was determined to be pathogenic according to ACMG Guidelines, 2015 [PMID:25741868]. This variant has been previously reported as disease-causing [PMID: 12139397, 28753187]

Biochemical Molecular Genetic Laboratory, King Abdulaziz Medical City
Classification: Pathogenic for Congenital glucose-galactose malabsorption. Last evaluated: 2020-08-07. Review status: no assertion criteria provided. Collection method: clinical testing. Allele origin: germline. Affected: yes. Not counted in ClinVar's aggregate classification.

Literature cited by the submitters: PubMed 24048166 (cited by Labcorp Genetics (formerly Invitae), Labcorp); PubMed 34737908 (cited by Labcorp Genetics (formerly Invitae), Labcorp); PubMed 12139397 (cited by 3billion and Baylor Genetics); PubMed 28753187 (cited by 3billion and Baylor Genetics).

NM_000343.4(SLC5A1):c.765C>G (p.Cys255Trp)

Gene: SLC5A1 (solute carrier family 5 member 1; plus strand). Cytogenetic location: 22q12.3.
Variant type: single nucleotide variant.
Coding change: c.765C>G on transcript NM_000343.4 (MANE Select); coding-DNA position 765, C replaced by G.
Protein change: p.Cys255Trp; replaces cysteine 255 with tryptophan.
Molecular consequence: missense variant.
Genome position (GRCh38, 1-based): chr22:32,084,539, C>G. VCF-style: chr22-32084539-C-G. GRCh37 (hg19) VCF-style: chr22-32480526-C-G.
Other names: c.384C>G, p.Cys128Trp (NM_001256314.2); short protein forms C128W, C255W.
Identifiers: ClinVar variation 992967 (VCV000992967.8), dbSNP rs888909415, ClinGen allele CA323375641.
Genomic context (GRCh38, chr22:32,084,539, plus strand): 5'-GTACATGAAAGCCATTCCAACCATAGTGTCTGATGGCAACACCACCTTTCAGGAAAAATG[C>G]TACACTCCAAGGGCCGACTCCTTCCACATCTTCCGAGATCCCCTCACGGGAGACCTCCCA-3'
Protein context (NP_000334.1, residues 245-265): SDGNTTFQEK[Cys255Trp]YTPRADSFHI